The following is an entry in ClinVar:

NM_005506.4(SCARB2):c.430A>T (p.Ile144Leu)

Gene: SCARB2 (scavenger receptor class B member 2; minus strand). Cytogenetic location: 4q21.1.
Variant type: single nucleotide variant.
Coding change: c.430A>T on transcript NM_005506.4 (MANE Select); coding-DNA position 430, A replaced by T.
Protein change: p.Ile144Leu; replaces isoleucine 144 with leucine.
Molecular consequence: missense variant. On other transcripts: intron variant (1).
Genome position (GRCh38, 1-based): chr4:76,179,699, T>A on the plus strand (A>T on the coding strand, the complement: SCARB2 is on the minus strand). VCF-style: chr4-76179699-T-A. GRCh37 (hg19) VCF-style: chr4-77100852-T-A.
Other names: c.276-3789A>T (NM_001204255.2); short protein forms I144L.
Identifiers: ClinVar variation 449287 (VCV000449287.21), dbSNP rs117600063, ClinGen allele CA2970329.

ClinVar aggregate classification (germline): Conflicting classifications of pathogenicity. Review status: criteria provided, conflicting classifications (1 of 4 stars). 6 submissions from 6 submitters: Uncertain significance (3); Likely benign (3). Last evaluated 2025-12-10.

Conditions:
SCARB2-related disorder. Also called: SCARB2-related condition.
Inborn genetic diseases. Identifiers: MedGen C0950123, MeSH D030342.
Progressive myoclonic epilepsy. Also called: Myoclonus epilepsy; Progressive myoclonus epilepsy; Familial progressive myoclonic epilepsy; Myoclonic Epilepsies, Progressive. Identifiers: Orphanet 308, Orphanet 98261, MedGen C0751778, MONDO:0020074.
Action myoclonus-renal failure syndrome. Also called: SCARB2-Related Action Myoclonus-Renal Failure Syndrome; MYOCLONUS-NEPHROPATHY SYNDROME; EPILEPSY, PROGRESSIVE MYOCLONIC, 4, WITH RENAL FAILURE; EPILEPSY, PROGRESSIVE MYOCLONIC, 4, WITHOUT RENAL FAILURE. Identifiers: Orphanet 163696, MedGen C0751779, MeSH D020191, MONDO:0009699, OMIM 254900.

Allele frequency attached by ClinVar (database versions not stated): TOPMed 0.00015; gnomAD 0.00029 and 0.00012; gnomAD exomes 0.00032 and 0.00041; ExAC 0.00040; 1000 Genomes Project 30x 0.00125; 1000 Genomes Project 0.00160.
gnomAD v4.1: 625 of 1,613,392 alleles (0.039%); highest among the groups gnomAD compares: East Asian, 1.4%; 6 homozygotes.

Submissions (6):

PreventionGenetics, part of Exact Sciences
Classification: Likely benign for SCARB2-related condition. Last evaluated: 2025-12-10. Review status: criteria provided, single submitter. Criteria: ACMG Guidelines, 2015. Collection method: clinical testing. Allele origin: germline.
Comment: This variant is classified as likely benign based on ACMG/AMP sequence variant interpretation guidelines (Richards et al. 2015 PMID: 25741868, with internal and published modifications).

Labcorp Genetics (formerly Invitae), Labcorp
Classification: Likely benign for Progressive myoclonic epilepsy. Last evaluated: 2025-08-29. Review status: criteria provided, single submitter. Criteria: Invitae Variant Classification Sherloc (09022015). Collection method: clinical testing. Allele origin: germline.

Center for Genomics, Ann and Robert H. Lurie Children's Hospital of Chicago
Classification: Uncertain significance for Action myoclonus-renal failure syndrome. Last evaluated: 2021-03-30. Review status: criteria provided, single submitter. Criteria: ACMG Guidelines, 2015. Collection method: clinical testing. Allele origin: germline.
Comment: SCARB2 NM_005506.3 exon 4 p.Ile144Leu (c.430A>T): This variant has not been reported in the literature but is present in 0.4% (76/18870) of East Asian alleles in the Genome Aggregation Database. This variant is present in ClinVar (Variation ID:449287). Evolutionary conservation and computational predictive tools suggest that this variant may not impact the protein. In summary, data on this variant is insufficient for disease classification. Therefore, the clinical significance of this variant is uncertain.

GeneDx
Classification: Likely benign. Last evaluated: 2019-02-11. Review status: criteria provided, single submitter. Criteria: GeneDx Variant Classification Process June 2021. Collection method: clinical testing. Allele origin: germline. Affected: yes.

Ambry Genetics
Classification: Uncertain significance for Inborn genetic diseases. Last evaluated: 2018-11-14. Review status: criteria provided, single submitter. Criteria: Ambry Variant Classification Scheme 2023. Collection method: clinical testing. Allele origin: germline.
Comment: The p.I144L variant (also known as c.430A>T), located in coding exon 4 of the SCARB2 gene, results from an A to T substitution at nucleotide position 430. The isoleucine at codon 144 is replaced by leucine, an amino acid with highly similar properties. This amino acid position is not well conserved in available vertebrate species. In addition, this alteration is predicted to be tolerated by in silico analysis. Since supporting evidence is limited at this time, the clinical significance of this alteration remains unclear.

Baylor Genetics
Classification: Uncertain significance for Action myoclonus-renal failure syndrome. Last evaluated: 2018-09-10. Review status: criteria provided, single submitter. Criteria: ACMG Guidelines, 2015. Collection method: clinical testing. Allele origin: paternal. Affected: yes.
Comment: This variant was determined to be of uncertain significance according to ACMG Guidelines, 2015 [PMID:25741868].